The following is an entry in ClinVar:

ClinVar aggregate classification (germline): Uncertain significance (1 of 4 stars; one submission).

gnomAD v4.1: 1 of 1,613,350 alleles (0.000062%); highest among the groups gnomAD compares: Non-Finnish European, 0.000085%; no homozygotes.

Submission:

Labcorp Genetics (formerly Invitae), Labcorp
Classification: Uncertain significance. Last evaluated: 2022-05-20. Review status: criteria provided, single submitter. Criteria: Invitae Variant Classification Sherloc (09022015). Collection method: clinical testing. Allele origin: germline.
Comment: In summary, the available evidence is currently insufficient to determine the role of this variant in disease. Therefore, it has been classified as a Variant of Uncertain Significance. Algorithms developed to predict the effect of missense changes on protein structure and function are either unavailable or do not agree on the potential impact of this missense change (SIFT: "Deleterious"; PolyPhen-2: "Probably Damaging"; Align-GVGD: "Class C0"). This variant has not been reported in the literature in individuals affected with ABL1-related conditions. This variant is not present in population databases (gnomAD no frequency). This sequence change replaces leucine, which is neutral and non-polar, with phenylalanine, which is neutral and non-polar, at codon 203 of the ABL1 protein (p.Leu203Phe).

NM_005157.6(ABL1):c.550C>T (p.Leu184Phe)

Gene: ABL1 (ABL proto-oncogene 1, non-receptor tyrosine kinase; plus strand). Cytogenetic location: 9q34.12.
Variant type: single nucleotide variant.
Coding change: c.550C>T on transcript NM_005157.6 (MANE Select); coding-DNA position 550, C replaced by T.
Protein change: p.Leu184Phe; replaces leucine 184 with phenylalanine.
Molecular consequence: missense variant.
Genome position (GRCh38, 1-based): chr9:130,862,763, C>T. VCF-style: chr9-130862763-C-T. GRCh37 (hg19) VCF-style: chr9-133738150-C-T.
Other names: c.607C>T, p.Leu203Phe (NM_007313.3); short protein forms L184F, L203F.
Identifiers: ClinVar variation 1996829 (VCV001996829.4), dbSNP rs1368132260, ClinGen allele CA375262252.
Genomic context (GRCh38, chr9:130,862,763, plus strand): 5'-CGTGAGCTCTTTGAGCTTGCCTGTCTCTGTGGGCTGAAGGCTGTTCCCTGTTTCCTTCAG[C>T]TCTACGTCTCCTCCGAGAGCCGCTTCAACACCCTGGCCGAGTTGGTTCATCATCATTCAA-3'
Protein context (NP_005148.2, residues 174-194): YRINTASDGK[Leu184Phe]YVSSESRFNT